The following is an entry in ClinVar:

NM_001267550.2(TTN):c.65611T>A (p.Ser21871Thr)

Genes: TTN (titin; minus strand), TTN-AS1 (TTN antisense RNA 1; plus strand). Cytogenetic location: 2q31.2.
Variant type: single nucleotide variant.
Coding change: c.65611T>A on transcript NM_001267550.2 (MANE Select); coding-DNA position 65611, T replaced by A.
Protein change: p.Ser21871Thr; replaces serine 21871 with threonine.
Molecular consequence: missense variant.
Genome position (GRCh38, 1-based): chr2:178,583,192, A>T on the plus strand (T>A on the coding strand, the complement: TTN is on the minus strand). VCF-style: chr2-178583192-A-T. GRCh37 (hg19) VCF-style: chr2-179447919-A-T.
Other names: c.60688T>A, p.Ser20230Thr (NM_001256850.1); c.38416T>A, p.Ser12806Thr (NM_003319.4); c.57907T>A, p.Ser19303Thr (NM_133378.4); c.38791T>A, p.Ser12931Thr (NM_133432.3); c.38992T>A, p.Ser12998Thr (NM_133437.4); short protein forms S12806T, S12931T, S12998T, S19303T, S20230T, S21871T.
Identifiers: ClinVar variation 2437455 (VCV002437455.4), dbSNP rs776842227, ClinGen allele CA1991672.

ClinVar aggregate classification (germline): Uncertain significance. Review status: criteria provided, multiple submitters, no conflicts (2 of 4 stars). 2 submissions from 2 submitters: Uncertain significance (2). Last evaluated 2025-03-26.

Allele frequency attached by ClinVar (database versions not stated): TOPMed below 0.00001; gnomAD exomes 0.00001; ExAC 0.00002.
gnomAD v4.1: 15 of 1,609,612 alleles (0.00093%); highest among the groups gnomAD compares: Non-Finnish European, 0.0011%; no homozygotes.

Submissions (2):

GeneDx
Classification: Uncertain significance. Last evaluated: 2025-03-26. Review status: criteria provided, single submitter. Criteria: GeneDx Variant Classification Process June 2021. Collection method: clinical testing. Allele origin: germline. Affected: yes.
Comment: Not observed at significant frequency in large population cohorts (gnomAD); Missense variant in a gene in which most reported pathogenic variants are truncating/loss of function; Has not been previously published as pathogenic or benign to our knowledge

Revvity Omics, Revvity
Classification: Uncertain significance. Last evaluated: 2019-12-09. Review status: criteria provided, single submitter. Criteria: ACMG Guidelines, 2015. Collection method: clinical testing. Allele origin: germline.